The following is an entry in ClinVar:

ClinVar aggregate classification (germline): Uncertain significance (1 of 4 stars; one submission).

gnomAD v4.1: 2 of 1,614,136 alleles (0.00012%); highest among the groups gnomAD compares: Non-Finnish European, 0.00017%; no homozygotes.

Submission:

GeneDx
Classification: Uncertain significance. Last evaluated: 2017-04-21. Review status: criteria provided, single submitter. Criteria: GeneDx Variant Classification (06012015). Collection method: clinical testing. Allele origin: germline. Affected: yes.
Comment: The C116R variant has not been published as a pathogenic variant, nor has it been reported as a benign polymorphism to our knowledge. The C116R variant was not observed in approximately 6,500 individuals of European and African American ancestry in the NHLBI Exome Sequencing Project, indicating it is not a common benign variant in these populations. The C116R variant is a non-conservative amino acid substitution, which is likely to impact secondary protein structure as these residues differ in polarity, charge, size and/or other properties. This substitution occurs at a position that is conserved across species. In silico analysis predicts this variant is probably damaging to the protein structure/function. However, missense variants in nearby residues have not been reported in the Human Gene Mutation Database in association with LQTS (Stenson et al., 2014). Therefore, based on the currently available information, it is unclear whether this variant is a pathogenic or a rare benign variant.

NM_033337.3(CAV3):c.346T>C (p.Cys116Arg)

Genes: CAV3 (caveolin 3; plus strand), OXTR (oxytocin receptor; minus strand). Cytogenetic location: 3p25.3.
Variant type: single nucleotide variant.
Coding change: c.346T>C on transcript NM_033337.3 (MANE Select); coding-DNA position 346, T replaced by C.
Protein change: p.Cys116Arg; replaces cysteine 116 with arginine.
Molecular consequence: missense variant.
Genome position (GRCh38, 1-based): chr3:8,745,757, T>C. VCF-style: chr3-8745757-T-C. GRCh37 (hg19) VCF-style: chr3-8787443-T-C.
Other names: c.346T>C, p.Cys116Arg (NM_001234.5); short protein forms C116R.
Identifiers: ClinVar variation 279734 (VCV000279734.2), dbSNP rs768101522, ClinGen allele CA10602894.